The following is an entry in ClinVar:

ClinVar aggregate classification (germline): Uncertain significance. Review status: criteria provided, multiple submitters, no conflicts (2 of 4 stars). 2 submissions from 2 submitters: Uncertain significance (2). Last evaluated 2025-01-10.

Conditions:
Inborn genetic diseases. Identifiers: MedGen C0950123, MeSH D030342.

gnomAD v4.1: 24 of 1,610,106 alleles (0.0015%); highest among the groups gnomAD compares: South Asian, 0.0099%; no homozygotes.

Submissions (2):

Ambry Genetics
Classification: Uncertain significance for Inborn genetic diseases. Last evaluated: 2025-01-10. Review status: criteria provided, single submitter. Criteria: Ambry Variant Classification Scheme 2023. Collection method: clinical testing. Allele origin: germline.

GeneDx
Classification: Uncertain significance. Last evaluated: 2024-01-29. Review status: criteria provided, single submitter. Criteria: GeneDx Variant Classification Process June 2021. Collection method: clinical testing. Allele origin: germline. Affected: yes.
Comment: Not observed at significant frequency in large population cohorts (gnomAD); In silico analysis supports that this missense variant has a deleterious effect on protein structure/function; Has not been previously published as pathogenic or benign to our knowledge

NM_002941.4(ROBO1):c.3463C>T (p.Arg1155Trp)

Gene: ROBO1 (roundabout guidance receptor 1; minus strand). Cytogenetic location: 3p12.3.
Variant type: single nucleotide variant.
Coding change: c.3463C>T on transcript NM_002941.4 (MANE Select); coding-DNA position 3463, C replaced by T.
Protein change: p.Arg1155Trp; replaces arginine 1155 with tryptophan.
Molecular consequence: missense variant.
Genome position (GRCh38, 1-based): chr3:78,633,953, G>A on the plus strand (C>T on the coding strand, the complement: ROBO1 is on the minus strand). VCF-style: chr3-78633953-G-A. GRCh37 (hg19) VCF-style: chr3-78683103-G-A.
Other names: c.3163C>T, p.Arg1055Trp (NM_001145845.2); c.3328C>T, p.Arg1110Trp (NM_133631.4); short protein forms R1055W, R1110W, R1155W.
Identifiers: ClinVar variation 3368373 (VCV003368373.2).
Genomic context (GRCh38, chr3:78,633,953, plus strand): 5'-CCAGCTTTTTAAAGGAGAAGTTCTTTGGTTCATCTTACTTACCAGATGTACTACTGCCCC[G>A]GTCTGAGCTGTTGTAGGATCCTCCTGTGTTCTGGTCGTATGATTGGTTGTATGGGATAGT-3'
Protein context (NP_002932.1, residues 1145-1165): NTGGSYNSSD[Arg1155Trp]GSSTSGSQGH